The following is an entry in ClinVar:

ClinVar aggregate classification (germline): Conflicting classifications of pathogenicity. Review status: criteria provided, conflicting classifications (1 of 4 stars). 2 submissions from 2 submitters: Uncertain significance (1); Likely benign (1). Last evaluated 2021-05-17.

Conditions:
Familial thoracic aortic aneurysm and aortic dissection (TAAD). Also called: Thoracic aortic aneurysms and dissections. Identifiers: Orphanet 91387, MedGen C4707243, MONDO:0019625.
Marfan syndrome (MFS). Also called: Marfan syndrome, classic; Marfan syndrome type 1; Marfan's syndrome; FBN1-Related Marfan Syndrome; MARFAN SYNDROME, TYPE I. Identifiers: Orphanet 284963, Orphanet 558, MedGen C0024796, MONDO:0007947, OMIM 154700.

Allele frequency attached by ClinVar (database versions not stated): gnomAD 0.00001.
gnomAD v4.1: 1 of 1,614,048 alleles (0.000062%); highest among the groups gnomAD compares: Admixed American, 0.0017%; no homozygotes.

Submissions (2):

Labcorp Genetics (formerly Invitae), Labcorp
Classification: Uncertain significance for Marfan syndrome; Familial thoracic aortic aneurysm and aortic dissection. Last evaluated: 2021-05-17. Review status: criteria provided, single submitter. Criteria: Invitae Variant Classification Sherloc (09022015). Collection method: clinical testing. Allele origin: germline.
Comment: This sequence change affects codon 1527 of the FBN1 mRNA. It is a 'silent' change, meaning that it does not change the encoded amino acid sequence of the FBN1 protein. It affects a nucleotide within the consensus splice site of the intron. This variant is not present in population databases (ExAC no frequency). In summary, the available evidence is currently insufficient to determine the role of this variant in disease. Therefore, it has been classified as a Variant of Uncertain Significance. This variant has not been reported in the literature in individuals with FBN1-related conditions. ClinVar contains an entry for this variant (Variation ID: 926539). Algorithms developed to predict the effect of sequence changes on RNA splicing suggest that this variant is not likely to affect RNA splicing, but this prediction has not been confirmed by published transcriptional studies.

Color Diagnostics, LLC DBA Color Health
Classification: Likely benign for Familial thoracic aortic aneurysm and aortic dissection. Last evaluated: 2019-03-11. Review status: criteria provided, single submitter. Criteria: ACMG Guidelines, 2015. Collection method: clinical testing. Allele origin: germline.

NM_000138.5(FBN1):c.4581T>C (p.Val1527=)

Gene: FBN1 (fibrillin 1; minus strand). Cytogenetic location: 15q21.1.
Variant type: single nucleotide variant.
Coding change: c.4581T>C on transcript NM_000138.5 (MANE Select); coding-DNA position 4581, T replaced by C.
Protein change: p.Val1527=; no amino-acid change (valine 1527 retained).
Molecular consequence: synonymous variant.
Genome position (GRCh38, 1-based): chr15:48,468,413, A>G on the plus strand (T>C on the coding strand, the complement: FBN1 is on the minus strand). VCF-style: chr15-48468413-A-G. GRCh37 (hg19) VCF-style: chr15-48760610-A-G.
Identifiers: ClinVar variation 926539 (VCV000926539.9), dbSNP rs2043340510, ClinGen allele CA490027300.